The following is an entry in ClinVar:

NM_000136.3(FANCC):c.16_23del (p.Val6fs)

Gene: FANCC (FA complementation group C; minus strand). Cytogenetic location: 9q22.32.
Variant type: Deletion.
Coding change: c.16_23del on transcript NM_000136.3 (MANE Select); coding-DNA positions 16 to 23, 8 bases deleted (GTAGATCT; older notation c.16_23delGTAGATCT).
Protein change: p.Val6fs; shifts the reading frame from valine 6.
Molecular consequence: frameshift variant.
Genome position (GRCh38, 1-based): chr9:95,249,269-95,249,276, AGATCTAC deleted on the plus strand (GTAGATCT on the coding strand, the reverse complement: FANCC is on the minus strand). VCF-style (leftmost placement, unchanged base first): chr9-95249268-AAGATCTAC-A. GRCh37 (hg19) VCF-style: chr9-98011550-AAGATCTAC-A.
Other names: c.16_23del, p.Val6fs (NM_001243743.2, NM_001243744.2); short protein forms V6fs.
Identifiers: ClinVar variation 2757794 (VCV002757794.4), dbSNP rs2542863696, ClinGen allele CA2697557885.

ClinVar aggregate classification (germline): Pathogenic. Review status: criteria provided, multiple submitters, no conflicts (2 of 4 stars). 2 submissions from 2 submitters: Pathogenic (2). Last evaluated 2026-01-20.

Conditions:
Fanconi anemia complementation group C (FANCC). Also called: FANCC-Related Fanconi Anemia; FANCONI PANCYTOPENIA, TYPE 3; FACC; Fanconi anemia, group C. Identifiers: Orphanet 84, MedGen C3468041, MONDO:0009213, OMIM 227645.
Fanconi anemia (FA). Also called: Fanconi's anemia. Identifiers: Orphanet 84, MedGen C0015625, MeSH D005199, MONDO:0019391.

Submissions (2):

Myriad Genetics, Inc.
Classification: Pathogenic for Fanconi anemia complementation group C. Last evaluated: 2026-01-20. Review status: criteria provided, single submitter. Criteria: Myriad Autosomal Dominant, Autosomal Recessive and X-Linked Classification Criteria (2023). Collection method: clinical testing. Allele origin: unknown.
Comment: NM_000136.2(FANCC):c.16_23del8(V6Ffs*3) is a frameshift variant classified as pathogenic in the context of Fanconi anemia, FANCC-related. V6Ffs*3 has not been observed in cases with relevant disease. Relevant functional assessments of this variant are not available in the literature. V6Ffs*3 has not been observed in referenced population frequency databases. In summary, NM_000136.2(FANCC):c.16_23del8(V6Ffs*3) is a frameshift variant in a gene where loss of function is a known mechanism of disease and is predicted to disrupt protein function. Please note: this variant was assessed in the context of healthy population screening.

Labcorp Genetics (formerly Invitae), Labcorp
Classification: Pathogenic for Fanconi anemia. Last evaluated: 2023-09-04. Review status: criteria provided, single submitter. Criteria: Invitae Variant Classification Sherloc (09022015). Collection method: clinical testing. Allele origin: germline.
Comment: This variant has not been reported in the literature in individuals affected with FANCC-related conditions. For these reasons, this variant has been classified as Pathogenic. This variant is not present in population databases (gnomAD no frequency). This sequence change creates a premature translational stop signal (p.Val6Phefs*3) in the FANCC gene. It is expected to result in an absent or disrupted protein product. Loss-of-function variants in FANCC are known to be pathogenic (PMID: 17924555).

Literature cited by the submitters: PubMed 17924555 (cited by Labcorp Genetics (formerly Invitae), Labcorp).